The following is an entry in ClinVar:

ClinVar aggregate classification (germline): Uncertain significance (1 of 4 stars; one submission).

Submission:

GeneDx
Classification: Uncertain significance. Last evaluated: 2013-06-02. Review status: criteria provided, single submitter. Criteria: GeneDx Variant Classification (06012015). Collection method: clinical testing. Allele origin: germline. Affected: yes.
Comment: The c.4910_4912delAGG variant in the CACNA1C gene has not been reported as a pathogenic variant or as a benign polymorphism to our knowledge. This variant results in an in-frame deletion of three base pairs starting at codon Glutamine 1637, resulting in the introduction of an Arginine in replacement of Glutamine 1637 and Glycine 1638, denoted p.Gln1637_Gly1638delinsArg. The Glutamine 1637 and Glycine 1638 residues are both conserved across species. Other in-frame deletions/duplications in the CACNA1C gene have been reported in association with Brugada syndrome. With the clinical and molecular information available at this time, we cannot definitively determine if c.4910_4912delAGG is a pathogenic variant or a rare benign variant.

NM_000719.7(CACNA1C):c.4910_4912del (p.Gln1637_Gly1638delinsArg)

Genes: CACNA1C (calcium voltage-gated channel subunit alpha1 C; plus strand), CACNA1C-AS1 (CACNA1C antisense RNA 1; minus strand). Cytogenetic location: 12p13.33.
Variant type: Deletion.
Coding change: c.4910_4912del on transcript NM_000719.7 (MANE Select); coding-DNA positions 4910 to 4912, 3 bases deleted (AGG; older notation c.4910_4912delAGG).
Protein change: p.Gln1637_Gly1638delinsArg.
Molecular consequence: inframe indel. On other transcripts: non-coding transcript variant (1).
Genome position (GRCh38, 1-based): chr12:2,677,175-2,677,177, AGG deleted. VCF-style (leftmost placement, unchanged base first): chr12-2677174-CAGG-C. GRCh37 (hg19) VCF-style: chr12-2786340-CAGG-C.
Other names: c.5054_5056del, p.Gln1685_Gly1686delinsArg (NM_001129827.2, NM_199460.4); c.5033_5035del, p.Gln1678_Gly1679delinsArg (NM_001129829.2); c.4910_4912del, p.Gln1637_Gly1638delinsArg (NM_001129830.3, NM_001129840.2, NM_001129841.2 and 4 more transcripts); c.4994_4996del, p.Gln1665_Gly1666delinsArg (NM_001129831.2); c.4970_4972del, p.Gln1657_Gly1658delinsArg (NM_001129832.2); c.4967_4969del, p.Gln1656_Gly1657delinsArg (NM_001129833.2, NM_001129834.2, NM_001129835.2); c.4961_4963del, p.Gln1654_Gly1655delinsArg (NM_001129836.2); c.4934_4936del, p.Gln1645_Gly1646delinsArg (NM_001129837.2, NM_001129838.2); and 3 more.
Identifiers: ClinVar variation 190693 (VCV000190693.2), dbSNP rs786205772, ClinGen allele CA301680.